The following is an entry in ClinVar:

ClinVar aggregate classification (germline): Uncertain significance. Review status: criteria provided, multiple submitters, no conflicts (2 of 4 stars). 2 submissions from 2 submitters: Uncertain significance (2). Last evaluated 2025-03-16.

Submissions (2):

GeneDx
Classification: Uncertain significance. Last evaluated: 2025-03-16. Review status: criteria provided, single submitter. Criteria: GeneDx Variant Classification Process June 2021. Collection method: clinical testing. Allele origin: germline. Affected: yes.
Comment: Not observed at significant frequency in large population cohorts (gnomAD); In silico analysis indicates that this missense variant does not alter protein structure/function; Has not been previously published as pathogenic or benign to our knowledge

Ambry Genetics
Classification: Uncertain significance. Last evaluated: 2024-09-24. Review status: criteria provided, single submitter. Criteria: Ambry Variant Classification Scheme 2023. Collection method: clinical testing. Allele origin: germline.

NM_006178.4(NSF):c.1366C>T (p.His456Tyr)

Genes: LRRC37A2 (leucine rich repeat containing 37 member A2), NSF (N-ethylmaleimide sensitive factor, vesicle fusing ATPase; plus strand). Cytogenetic location: 17q21.31.
Variant type: single nucleotide variant.
Coding change: c.1366C>T on transcript NM_006178.4 (MANE Select); coding-DNA position 1366, C replaced by T.
Protein change: p.His456Tyr; replaces histidine 456 with tyrosine.
Molecular consequence: missense variant. On other transcripts: non-coding transcript variant (1).
Genome position (GRCh38, 1-based): chr17:46,694,654, C>T. VCF-style: chr17-46694654-C-T. GRCh37 (hg19) VCF-style: chr17-44772020-C-T.
Other names: short protein forms H456Y.
Identifiers: ClinVar variation 3408012 (VCV003408012.3).